The following is an entry in ClinVar:

NM_014846.4(WASHC5):c.1550A>G (p.Asn517Ser)

Gene: WASHC5 (WASH complex subunit 5; minus strand). Cytogenetic location: 8q24.13.
Variant type: single nucleotide variant.
Coding change: c.1550A>G on transcript NM_014846.4 (MANE Select); coding-DNA position 1550, A replaced by G.
Protein change: p.Asn517Ser; replaces asparagine 517 with serine.
Molecular consequence: missense variant.
Genome position (GRCh38, 1-based): chr8:125,059,514, T>C on the plus strand (A>G on the coding strand, the complement: WASHC5 is on the minus strand). VCF-style: chr8-125059514-T-C. GRCh37 (hg19) VCF-style: chr8-126071756-T-C.
Other names: c.1550A>G (NM_014846.3); c.1106A>G, p.Asn369Ser (NM_001330609.2); short protein forms N517S, N369S.
Identifiers: ClinVar variation 1525025 (VCV001525025.10), dbSNP rs368546546, ClinGen allele CA4873785.
Genomic context (GRCh38, chr8:125,059,514, plus strand): 5'-GTTCTGATCATTTGATGAAGAAACTTTCGAGTATCGGCAAGAAACTGACATACTTGCAGA[T>C]TGGATTCCAACTGGTGGAATTCTTGAACCTGTGTTACAGAAATATACTTAATTTAAAAAT-3'
Protein context (NP_055661.3, residues 507-527): EVQEFHQLES[Asn517Ser]LQVCQFLADT

ClinVar aggregate classification (germline): Uncertain significance. Review status: criteria provided, multiple submitters, no conflicts (2 of 4 stars). 4 submissions from 4 submitters: Uncertain significance (4). Last evaluated 2026-06-01.

Conditions:
Ritscher-Schinzel syndrome. Also called: CRANIOCEREBELLOCARDIAC DYSPLASIA. Identifiers: Orphanet 7, MedGen C0796137, MONDO:0019078.
Hereditary spastic paraplegia 8 (SPG8). Also called: SPASTIC PARAPLEGIA 8, AUTOSOMAL DOMINANT. Identifiers: Orphanet 100989, MedGen C1863704, MONDO:0011339, OMIM 603563.
Inborn genetic diseases. Identifiers: MedGen C0950123, MeSH D030342.

Allele frequency attached by ClinVar (database versions not stated): gnomAD 0.00005 and 0.00006; ESP Exome Variant Server 0.00008; TOPMed 0.00009.
gnomAD v4.1: 44 of 1,613,788 alleles (0.0027%); highest among the groups gnomAD compares: African/African-American, 0.012%; no homozygotes.

Submissions (4):

CeGaT Center for Human Genetics Tuebingen
Classification: Uncertain significance. Last evaluated: 2026-06-01. Review status: criteria provided, single submitter. Criteria: CeGaT Center For Human Genetics Tuebingen Variant Classification Criteria Version 2. Collection method: clinical testing. Allele origin: germline. Affected: yes. Observed: 1 variant allele.

GeneDx
Classification: Uncertain significance. Last evaluated: 2024-03-12. Review status: criteria provided, single submitter. Criteria: GeneDx Variant Classification Process June 2021. Collection method: clinical testing. Allele origin: germline. Affected: yes.
Comment: In silico analysis supports that this missense variant has a deleterious effect on protein structure/function; This variant is associated with the following publications: (PMID: 34426522, 24451228, 31814071, 30564185)

Labcorp Genetics (formerly Invitae), Labcorp
Classification: Uncertain significance for Ritscher-Schinzel syndrome; Hereditary spastic paraplegia 8. Last evaluated: 2023-10-10. Review status: criteria provided, single submitter. Criteria: Invitae Variant Classification Sherloc (09022015). Collection method: clinical testing. Allele origin: germline.
Comment: This sequence change replaces asparagine, which is neutral and polar, with serine, which is neutral and polar, at codon 517 of the WASHC5 protein (p.Asn517Ser). This variant is present in population databases (rs368546546, gnomAD 0.008%). This missense change has been observed in individuals with clinical features of hereditary spastic paraplegia (PMID: 30564185; Invitae). ClinVar contains an entry for this variant (Variation ID: 1525025). Advanced modeling of protein sequence and biophysical properties (such as structural, functional, and spatial information, amino acid conservation, physicochemical variation, residue mobility, and thermodynamic stability) performed at Invitae indicates that this missense variant is not expected to disrupt WASHC5 protein function. In summary, the available evidence is currently insufficient to determine the role of this variant in disease. Therefore, it has been classified as a Variant of Uncertain Significance.

Ambry Genetics
Classification: Uncertain significance for Inborn genetic diseases. Last evaluated: 2022-09-19. Review status: criteria provided, single submitter. Criteria: Ambry Variant Classification Scheme 2023. Collection method: clinical testing. Allele origin: germline.

Literature cited by the submitters: PubMed 30564185 (cited by Labcorp Genetics (formerly Invitae), Labcorp and Ambry Genetics); PubMed 31814071 (cited by Ambry Genetics).